The following is an entry in ClinVar:

NM_006579.3(EBP):c.469+2T>A

Gene: EBP (EBP cholestenol delta-isomerase; plus strand). Cytogenetic location: Xp11.23.
Variant type: single nucleotide variant.
Coding change: c.469+2T>A on transcript NM_006579.3 (MANE Select); the canonical splice donor site of the intron after coding-DNA position 469, T replaced by A.
Molecular consequence: splice donor variant.
Genome position (GRCh38, 1-based): chrX:48,527,287, T>A. VCF-style: chrX-48527287-T-A. GRCh37 (hg19) VCF-style: chrX-48385675-T-A.
Identifiers: ClinVar variation 4795210 (VCV004795210.1).
Genomic context (GRCh38, chrX:48,527,287, plus strand): 5'-GATCGCCTTTCTCCGCCAGCATCCCCTCCGCTTCATTCTACAGCTTGTGGTCTCTGTGGG[T>A]AAGGAAAGGGCACTAGAGGGGCACTGGGCACTAGAGGGGTTGATGGGGGATCCACAGACA-3'

ClinVar aggregate classification (germline): Uncertain significance (1 of 4 stars; one submission).

Conditions:
Chondrodysplasia punctata 2 X-linked dominant (CDPX2). Also called: CONRADI-HUNERMANN-HAPPLE SYNDROME; HAPPLE SYNDROME; Hunermann-Conradi Syndrome; EBP-Related X-Linked Chondrodysplasia Punctata. Identifiers: Orphanet 35173, MedGen C0282102, MONDO:0020603, OMIM 302960.

Submission:

Laboratorio de Biologia Molecular/Medicina Genomica - IFF/Fiocruz, Instituto Fernandes Figueira, Fundacao Oswaldo Cruz
Classification: Uncertain significance for Chondrodysplasia punctata 2 X-linked dominant. Last evaluated: 2025-09-02. Review status: criteria provided, single submitter. Criteria: ACMG Guidelines, 2015. Collection method: clinical testing. Allele origin: germline. Affected: yes.
Comment: Variant: c.469+2T>A in intron 4 of the EBP gene. Protein effect: Splicing donor substitution at a highly conserved across species. In silico tools: predict altered mRNA splicing due to loss of the splice donor site, but not predict to undergo NMD. Population database (gnomAD): Absent. Residue evidence: Another change at the same residue has been reported as Likely Pathogenic (Accession: VCV001338397.4). ACMG/AMP criteria applied: PVS1_Strong, PM2_Supporting, PS1_Supporting.